The following is an entry in ClinVar:

NM_001042492.3(NF1):c.8C>T (p.Ala3Val)

Genes: MIR4733HG (MIR4733 host gene; minus strand), NF1 (neurofibromin 1; plus strand), LOC111811965 (NF1 (neurofibromin 1) promoter region; plus strand). Cytogenetic location: 17q11.2.
Variant type: single nucleotide variant.
Coding change: c.8C>T on transcript NM_001042492.3 (MANE Select); coding-DNA position 8, C replaced by T.
Protein change: p.Ala3Val; replaces alanine 3 with valine.
Molecular consequence: missense variant. On other transcripts: non-coding transcript variant (1).
Genome position (GRCh38, 1-based): chr17:31,095,317, C>T. VCF-style: chr17-31095317-C-T. GRCh37 (hg19) VCF-style: chr17-29422335-C-T.
Other names: c.8C>T, p.Ala3Val (NM_000267.4, NM_001128147.3); short protein forms A3V.
Identifiers: ClinVar variation 951161 (VCV000951161.10), dbSNP rs1911550821, ClinGen allele CA398979181.
Genomic context (GRCh38, chr17:31,095,317, plus strand): 5'-CCCAGGGCGCCGGCCCACCCTTCCCTCCGCCGCCCCCCGGCCGCGGGGAGGACATGGCCG[C>T]GCACAGGCCGGTGGAATGGGTCCAGGCCGTGGTCAGCCGCTTCGACGAGCAGGTAACCGG-3'
Protein context (NP_001035957.1, residues 1-13): MA[Ala3Val]HRPVEWVQAV

ClinVar aggregate classification (germline): Uncertain significance. Review status: criteria provided, multiple submitters, no conflicts (2 of 4 stars). 2 submissions from 2 submitters: Uncertain significance (2). Last evaluated 2025-07-17.

Conditions:
Cardiovascular phenotype. Identifiers: MedGen CN230736.
Hereditary cancer-predisposing syndrome. Also called: Hereditary neoplastic syndrome; Tumor predisposition; Neoplastic Syndromes, Hereditary; Hereditary Cancer Syndrome. Identifiers: Orphanet 140162, MedGen C0027672, MeSH D009386, MONDO:0015356.
Neurofibromatosis, type 1 (NF1). Also called: VON RECKLINGHAUSEN DISEASE; NEUROFIBROMATOSIS, TYPE I, SOMATIC; Peripheral type neurofibromatosis; Neurofibromatosis, type I. Identifiers: Orphanet 636, MedGen C0027831, MONDO:0018975, OMIM 162200. Disease mechanism: loss of function.

Allele frequency attached by ClinVar (database versions not stated): gnomAD exomes below 0.00001.
gnomAD v4.1: 2 of 1,537,832 alleles (0.00013%); highest among the groups gnomAD compares: Non-Finnish European, 0.00017%; no homozygotes.

Submissions (2):

Labcorp Genetics (formerly Invitae), Labcorp
Classification: Uncertain significance for Neurofibromatosis, type 1. Last evaluated: 2025-07-17. Review status: criteria provided, single submitter. Criteria: Invitae Variant Classification Sherloc (09022015). Collection method: clinical testing. Allele origin: germline.
Comment: This sequence change replaces alanine, which is neutral and non-polar, with valine, which is neutral and non-polar, at codon 3 of the NF1 protein (p.Ala3Val). This variant is not present in population databases (gnomAD no frequency). This variant has not been reported in the literature in individuals affected with NF1-related conditions. ClinVar contains an entry for this variant (Variation ID: 951161). Invitae Evidence Modeling of protein sequence and biophysical properties (such as structural, functional, and spatial information, amino acid conservation, physicochemical variation, residue mobility, and thermodynamic stability) indicates that this missense variant is expected to disrupt NF1 protein function with a positive predictive value of 80%. In summary, the available evidence is currently insufficient to determine the role of this variant in disease. Therefore, it has been classified as a Variant of Uncertain Significance.

Ambry Genetics
Classification: Uncertain significance for Cardiovascular phenotype; Hereditary cancer-predisposing syndrome. Last evaluated: 2025-05-19. Review status: criteria provided, single submitter. Criteria: Ambry Variant Classification Scheme 2023. Collection method: clinical testing. Allele origin: germline.
Comment: The p.A3V variant (also known as c.8C>T), located in coding exon 1 of the NF1 gene, results from a C to T substitution at nucleotide position 8. The alanine at codon 3 is replaced by valine, an amino acid with similar properties. This amino acid position is well conserved in available vertebrate species. In addition, this alteration is predicted to be tolerated by in silico analysis. Since supporting evidence is limited at this time, the clinical significance of this alteration remains unclear.